The following is an entry in ClinVar:

ClinVar aggregate classification (germline): Uncertain significance (1 of 4 stars; one submission).

Conditions:
Congenital disorder of glycosylation (CDG). Also called: Carbohydrate-deficient glycoprotein syndrome; Congenital disorders of glycosylation. Identifiers: Orphanet 137, MedGen C0282577, MONDO:0015286.

gnomAD v4.1: 9 of 1,614,174 alleles (0.00056%); highest among the groups gnomAD compares: Admixed American, 0.015%; no homozygotes.

Submission:

Labcorp Genetics (formerly Invitae), Labcorp
Classification: Uncertain significance for Congenital disorder of glycosylation. Last evaluated: 2025-10-28. Review status: criteria provided, single submitter. Criteria: Invitae Variant Classification Sherloc (09022015). Collection method: clinical testing. Allele origin: germline.
Comment: This sequence change replaces histidine, which is basic and polar, with glutamine, which is neutral and polar, at codon 268 of the RPN2 protein (p.His268Gln). This variant is present in population databases (rs143814648, gnomAD 0.02%). This variant has not been reported in the literature in individuals affected with RPN2-related conditions. ClinVar contains an entry for this variant (Variation ID: 3630098). An algorithm developed to predict the effect of missense changes on protein structure and function (PolyPhen-2) suggests that this variant is likely to be disruptive. In summary, the available evidence is currently insufficient to determine the role of this variant in disease. Therefore, it has been classified as a Variant of Uncertain Significance.

NM_002951.5(RPN2):c.804C>G (p.His268Gln)

Gene: RPN2 (ribophorin II; plus strand). Cytogenetic location: 20q11.23.
Variant type: single nucleotide variant.
Coding change: c.804C>G on transcript NM_002951.5 (MANE Select); coding-DNA position 804, C replaced by G.
Protein change: p.His268Gln; replaces histidine 268 with glutamine.
Molecular consequence: missense variant.
Genome position (GRCh38, 1-based): chr20:37,207,386, C>G. VCF-style: chr20-37207386-C-G. GRCh37 (hg19) VCF-style: chr20-35835789-C-G.
Other names: c.708C>G, p.His236Gln (NM_001135771.3); c.804C>G, p.His268Gln (NM_001324299.2, NM_001324302.2, NM_001324303.2 and 1 more transcripts); c.852C>G, p.His284Gln (NM_001324301.2, NM_001324305.2); c.333C>G, p.His111Gln (NM_001324306.2); short protein forms H236Q, H111Q, H268Q, H284Q.
Identifiers: ClinVar variation 3630098 (VCV003630098.2).
Genomic context (GRCh38, chr20:37,207,386, plus strand): 5'-CCTCTCCGAAGCCTTCAGCGTGGCCTCTGCAGCTGCTGTGCTCTCGCATAATCGCTACCA[C>G]GTGCCAGTTGTGGTTGTGCCTGAGGGCTCTGCTTCCGACACTCATGAACAGGCTATCTTG-3'
Protein context (NP_002942.2, residues 258-278): AAAVLSHNRY[His268Gln]VPVVVVPEGS